The following is an entry in ClinVar:

NM_000116.5(TAFAZZIN):c.166A>G (p.Lys56Glu)

Gene: TAFAZZIN (tafazzin, phospholipid-lysophospholipid transacylase; plus strand). Cytogenetic location: Xq28.
Variant type: single nucleotide variant.
Coding change: c.166A>G on transcript NM_000116.5 (MANE Select); coding-DNA position 166, A replaced by G.
Protein change: p.Lys56Glu; replaces lysine 56 with glutamic acid.
Molecular consequence: missense variant. On other transcripts: non-coding transcript variant (1).
Genome position (GRCh38, 1-based): chrX:154,412,142, A>G. VCF-style: chrX-154412142-A-G. GRCh37 (hg19) VCF-style: chrX-153640479-A-G.
Other names: c.220A>G, p.Lys74Glu (NM_001303465.2, NM_001410698.1); c.166A>G, p.Lys56Glu (NM_181311.4, NM_181312.4, NM_181313.4); short protein forms K74E, K56E.
Identifiers: ClinVar variation 3324310 (VCV003324310.1).

ClinVar aggregate classification (germline): Uncertain significance (1 of 4 stars; one submission).

Conditions:
Cardiovascular phenotype. Identifiers: MedGen CN230736.

gnomAD v4.1: 1 of 1,206,224 alleles (0.000083%); no homozygotes.

Submission:

Ambry Genetics
Classification: Uncertain significance for Cardiovascular phenotype. Last evaluated: 2024-04-11. Review status: criteria provided, single submitter. Criteria: Ambry Variant Classification Scheme 2023. Collection method: clinical testing. Allele origin: germline.
Comment: The p.K56E variant (also known as c.166A>G), located in coding exon 2 of the TAZ gene, results from an A to G substitution at nucleotide position 166. The lysine at codon 56 is replaced by glutamic acid, an amino acid with similar properties. This amino acid position is poorly conserved in available vertebrate species. In addition, this alteration is predicted to be tolerated by in silico analysis. Based on the available evidence, the clinical significance of this variant remains unclear.